The following is an entry in ClinVar:

ClinVar aggregate classification (germline): Uncertain significance (1 of 4 stars; one submission).

Conditions:
Developmental and epileptic encephalopathy, 53. Also called: Epileptic encephalopathy, early infantile, 53. Identifiers: MedGen C4479313, MONDO:0033362, OMIM 617389.
Early-onset Parkinson disease 20. Also called: PARKINSON DISEASE 20, AUTOSOMAL RECESSIVE EARLY-ONSET. Identifiers: Orphanet 391411, MedGen C3809824, MONDO:0014233, OMIM 615530.

gnomAD v4.1: 8 of 1,614,104 alleles (0.0005%); highest among the groups gnomAD compares: Non-Finnish European, 0.00068%; no homozygotes.

Submission:

Labcorp Genetics (formerly Invitae), Labcorp
Classification: Uncertain significance for Developmental and epileptic encephalopathy, 53; Early-onset Parkinson disease 20. Last evaluated: 2024-11-15. Review status: criteria provided, single submitter. Criteria: Invitae Variant Classification Sherloc (09022015). Collection method: clinical testing. Allele origin: germline.
Comment: This sequence change replaces serine, which is neutral and polar, with asparagine, which is neutral and polar, at codon 43 of the SYNJ1 protein (p.Ser43Asn). This variant is present in population databases (rs746463999, gnomAD 0.004%). This variant has not been reported in the literature in individuals affected with SYNJ1-related conditions. Invitae Evidence Modeling of protein sequence and biophysical properties (such as structural, functional, and spatial information, amino acid conservation, physicochemical variation, residue mobility, and thermodynamic stability) indicates that this missense variant is not expected to disrupt SYNJ1 protein function with a negative predictive value of 80%. In summary, the available evidence is currently insufficient to determine the role of this variant in disease. Therefore, it has been classified as a Variant of Uncertain Significance.

NM_203446.3(SYNJ1):c.11G>A (p.Ser4Asn)

Gene: SYNJ1 (synaptojanin 1; minus strand). Cytogenetic location: 21q22.11.
Variant type: single nucleotide variant.
Coding change: c.11G>A on transcript NM_203446.3 (MANE Select); coding-DNA position 11, G replaced by A.
Protein change: p.Ser4Asn; replaces serine 4 with asparagine.
Molecular consequence: missense variant.
Genome position (GRCh38, 1-based): chr21:32,726,885, C>T on the plus strand (G>A on the coding strand, the complement: SYNJ1 is on the minus strand). VCF-style: chr21-32726885-C-T. GRCh37 (hg19) VCF-style: chr21-34099196-C-T.
Other names: c.11G>A, p.Ser4Asn (NM_001160302.2, NM_001160306.2); c.128G>A, p.Ser43Asn (NM_003895.4); short protein forms S43N, S4N.
Identifiers: ClinVar variation 3763765 (VCV003763765.2).